The following is an entry in ClinVar:

ClinVar aggregate classification (germline): Uncertain significance (1 of 4 stars; one submission).

Allele frequency attached by ClinVar (database versions not stated): TOPMed 0.00001.

Submission:

ARUP Laboratories, Molecular Genetics and Genomics, ARUP Laboratories
Classification: Uncertain significance. Last evaluated: 2019-04-22. Review status: criteria provided, single submitter. Criteria: ARUP Molecular Germline Variant Investigation Process. Collection method: clinical testing. Allele origin: germline.
Comment: The F9 c.613A>G; p.Thr205Ala variant, to our knowledge, is not reported in the medical literature or gene specific databases. This variant is also absent from general population databases (Exome Variant Server, Genome Aggregation Database), indicating it is not a common polymorphism. The threonine at codon 205 is moderately conserved, but computational analyses (SIFT, PolyPhen-2) predict that this variant is tolerated. However, given the lack of clinical and functional data, the significance of this variant is uncertain at this time.

NM_000133.4(F9):c.613A>G (p.Thr205Ala)

Gene: F9 (coagulation factor IX; plus strand). Cytogenetic location: Xq27.1.
Variant type: single nucleotide variant.
Coding change: c.613A>G on transcript NM_000133.4 (MANE Select); coding-DNA position 613, A replaced by G.
Protein change: p.Thr205Ala; replaces threonine 205 with alanine.
Molecular consequence: missense variant.
Genome position (GRCh38, 1-based): chrX:139,551,154, A>G. VCF-style: chrX-139551154-A-G. GRCh37 (hg19) VCF-style: chrX-138633313-A-G.
Other names: c.499A>G, p.Thr167Ala (NM_001313913.2); short protein forms T167A, T205A.
Identifiers: ClinVar variation 811406 (VCV000811406.8), dbSNP rs1603265805, ClinGen allele CA414440777.